The following is an entry in ClinVar:

NM_001134363.3(RBM20):c.1310C>A (p.Ala437Asp)

Gene: RBM20 (RNA binding motif protein 20; plus strand). Cytogenetic location: 10q25.2.
Variant type: single nucleotide variant.
Coding change: c.1310C>A on transcript NM_001134363.3 (MANE Select); coding-DNA position 1310, C replaced by A.
Protein change: p.Ala437Asp; replaces alanine 437 with aspartic acid.
Molecular consequence: missense variant.
Genome position (GRCh38, 1-based): chr10:110,783,400, C>A. VCF-style: chr10-110783400-C-A. GRCh37 (hg19) VCF-style: chr10-112543158-C-A.
Other names: p.Ala437Asp; short protein forms A437D.
Identifiers: ClinVar variation 3235689 (VCV003235689.2), dbSNP rs774585619, ClinGen allele CA5688579.

ClinVar aggregate classification (germline): Uncertain significance (1 of 4 stars; one submission).

Conditions:
Dilated cardiomyopathy 1DD (CMD1DD). Identifiers: Orphanet 154, MedGen C2750995, MONDO:0013168, OMIM 613172.

Allele frequency attached by ClinVar (database versions not stated): gnomAD exomes below 0.00001; ExAC 0.00004.
gnomAD v4.1: 2 of 1,551,534 alleles (0.00013%); highest among the groups gnomAD compares: South Asian, 0.0024%; no homozygotes.

Submission:

Foundation for Research in Genetics and Endocrinology, FRIGE's Institute of Human Genetics
Classification: Uncertain significance for Dilated cardiomyopathy 1DD. Last evaluated: 2024-05-13. Review status: criteria provided, single submitter. Criteria: ACMG Guidelines, 2015. Collection method: clinical testing. Allele origin: germline. Inheritance: Autosomal dominant inheritance. Affected: yes. Observed: 1 homozygote.
Comment: A homozygous missense variant in exon 3 of the RBM20 gene that results in the amino acid substitution of Aspartic acid for Alanine at codon 437 (p.Ala437Asp) was detected. Biallelic RBM20 variants were reported in the patients affected with left ventricular noncompaction cardiomyopathy [PMID: 35893073]. The p.Ala437Asp variant has not been reported in the 1000 genomes, gnomAD (v3.1), gnomdAD (v2.1) and topmed databases. The in silico prediction of the variant are damaging by SIFT. The reference codon is conserved across species. In summary, the variant meets our criteria to be classified as variant of uncertain significance.